The following is an entry in ClinVar:

NM_004519.4(KCNQ3):c.1471G>A (p.Gly491Arg)

Gene: KCNQ3 (potassium voltage-gated channel subfamily Q member 3; minus strand). Cytogenetic location: 8q24.22.
Variant type: single nucleotide variant.
Coding change: c.1471G>A on transcript NM_004519.4 (MANE Select); coding-DNA position 1471, G replaced by A.
Protein change: p.Gly491Arg; replaces glycine 491 with arginine.
Molecular consequence: missense variant.
Genome position (GRCh38, 1-based): chr8:132,140,173, C>T on the plus strand (G>A on the coding strand, the complement: KCNQ3 is on the minus strand). VCF-style: chr8-132140173-C-T. GRCh37 (hg19) VCF-style: chr8-133152420-C-T.
Other names: c.1111G>A, p.Gly371Arg (NM_001204824.2); short protein forms G491R, G371R.
Identifiers: ClinVar variation 279818 (VCV000279818.11), dbSNP rs201552546, ClinGen allele CA4880683.

ClinVar aggregate classification (germline): Conflicting classifications of pathogenicity. Review status: criteria provided, conflicting classifications (1 of 4 stars). 3 submissions from 3 submitters: Uncertain significance (2); Likely benign (1). Last evaluated 2024-12-30.

Conditions:
Benign neonatal seizures. Also called: Benign familial neonatal seizures; Convulsions benign familial neonatal dominant form; Autosomal dominant form of benign neonatal seizures; Benign neonatal familial convulsions; Benign familial neonatal epilepsy. Identifiers: Orphanet 1949, MedGen C0220669, MONDO:0016027.
Inborn genetic diseases. Identifiers: MedGen C0950123, MeSH D030342.

Allele frequency attached by ClinVar (database versions not stated): gnomAD 0.00003 and 0.00002; ExAC 0.00010; gnomAD exomes 0.00006 and 0.00005; TOPMed 0.00002.
gnomAD v4.1: 76 of 1,612,706 alleles (0.0047%); highest among the groups gnomAD compares: East Asian, 0.018%; no homozygotes.

Submissions (3):

Labcorp Genetics (formerly Invitae), Labcorp
Classification: Uncertain significance for Benign neonatal seizures. Last evaluated: 2024-12-30. Review status: criteria provided, single submitter. Criteria: Invitae Variant Classification Sherloc (09022015). Collection method: clinical testing. Allele origin: germline.
Comment: This sequence change replaces glycine, which is neutral and non-polar, with arginine, which is basic and polar, at codon 491 of the KCNQ3 protein (p.Gly491Arg). This variant is present in population databases (rs201552546, gnomAD 0.01%). This variant has not been reported in the literature in individuals affected with KCNQ3-related conditions. ClinVar contains an entry for this variant (Variation ID: 279818). Invitae Evidence Modeling of protein sequence and biophysical properties (such as structural, functional, and spatial information, amino acid conservation, physicochemical variation, residue mobility, and thermodynamic stability) indicates that this missense variant is not expected to disrupt KCNQ3 protein function with a negative predictive value of 80%. In summary, the available evidence is currently insufficient to determine the role of this variant in disease. Therefore, it has been classified as a Variant of Uncertain Significance.

Ambry Genetics
Classification: Likely benign for Inborn genetic diseases. Last evaluated: 2020-01-22. Review status: criteria provided, single submitter. Criteria: Ambry Variant Classification Scheme 2023. Collection method: clinical testing. Allele origin: germline.

GeneDx
Classification: Uncertain significance. Last evaluated: 2017-09-15. Review status: criteria provided, single submitter. Criteria: GeneDx Variant Classification (06012015). Collection method: clinical testing. Allele origin: germline. Affected: yes.
Comment: A variant of uncertain significance has been identified in the KCNQ3 gene. The G491R variant has not been published as a pathogenic variant, nor has it been reported as a benign variant to our knowledge. The G491R variant is observed in 12/64,692 (0.02%) alleles from individuals of European background in large population cohorts (Lek et al., 2016). This variant is a non-conservative amino acid substitution, which is likely to impact secondary protein structure as these residues differ in polarity, charge, size and/or other properties. This substitution occurs at a position that is conserved in mammals, and in silico analysis predicts this variant is probably damaging to the protein structure/function. However, missense variants in nearby residues have not been reported in the Human Gene Mutation Database in association with KCNQ3-related disorders (Stenson et al., 2014). Therefore, based on the currently available information, it is unclear whether this variant is a pathogenic variant or a rare benign variant.

Literature cited by the submitters: PubMed 29808309 (cited by Ambry Genetics).